The following is an entry in ClinVar:

ClinVar aggregate classification (germline): Likely benign (1 of 4 stars; one submission).

Submission:

Women's Health and Genetics/Laboratory Corporation of America, LabCorp
Classification: Likely benign. Last evaluated: 2023-04-04. Review status: criteria provided, single submitter. Criteria: LabCorp Variant Classification Summary - May 2015. Collection method: clinical testing. Allele origin: germline.
Comment: Variant summary: CRLF1 c.63_66delinsT (p.Leu26del) results in an in-frame deletion that is predicted to remove one amino acid from the encoded protein. The variant was absent in 27510 control chromosomes. The available data on variant occurrences in the general population are insufficient to allow any conclusion about variant significance. To our knowledge, no occurrence of c.63_66delinsT in individuals affected with Cold-Induced Sweating Syndrome and no experimental evidence demonstrating its impact on protein function have been reported. No clinical diagnostic laboratories have submitted clinical-significance assessments for this variant to ClinVar after 2014. However, due to the variant being located in a microsatellite/repeat region, another variant causing a different nucleotide change but resulting in the same protein change, namely c.75_77del (p.Leu26del), was found at a frequency of 0.2116 in control chromosomes (gnomAD v3.1.2) and was classified as benign by 3 ClinVar submitters (evaluation after 2014). Based on the evidence outlined above, the variant was classified as likely benign.

NM_004750.5(CRLF1):c.63_66delinsT (p.Leu26del)

Gene: CRLF1 (cytokine receptor like factor 1; minus strand). Cytogenetic location: 19p13.11.
Variant type: Indel.
Coding change: c.63_66delinsT on transcript NM_004750.5 (MANE Select); coding-DNA positions 63 to 66, CCTG replaced by T.
Protein change: p.Leu26del; deletes leucine 26.
Molecular consequence: inframe deletion.
Genome position (GRCh38, 1-based): chr19:18,606,591-18,606,594, CAGG replaced by A on the plus strand (CCTG replaced by T on the coding strand, the reverse complement: CRLF1 is on the minus strand). VCF-style: chr19-18606591-CAGG-A. GRCh37 (hg19) VCF-style: chr19-18717401-CAGG-A.
Other names: c.63_66delinsT (NM_004750.4); short protein forms L26del.
Identifiers: ClinVar variation 2504013 (VCV002504013.1), dbSNP rs2513397292, ClinGen allele CA2580613095.